The following is an entry in ClinVar:

NM_001358235.2(DCHS2):c.5804C>G (p.Thr1935Arg)

Genes: DCHS2 (dachsous cadherin-related 2; minus strand), DCHS2-AS1 (DCHS2 antisense RNA 1; plus strand). Cytogenetic location: 4q31.3.
Variant type: single nucleotide variant.
Coding change: c.5804C>G on transcript NM_001358235.2 (MANE Select); coding-DNA position 5804, C replaced by G.
Protein change: p.Thr1935Arg; replaces threonine 1935 with arginine.
Molecular consequence: missense variant.
Genome position (GRCh38, 1-based): chr4:154,298,510, G>C on the plus strand (C>G on the coding strand, the complement: DCHS2 is on the minus strand). VCF-style: chr4-154298510-G-C. GRCh37 (hg19) VCF-style: chr4-155219662-G-C.
Other names: NC_000004.11:g.155219662G>C; short protein forms T1935R.
Identifiers: ClinVar variation 3055901 (VCV003055901.3), dbSNP rs17031394, ClinGen allele CA3112555.
Genomic context (GRCh38, chr4:154,298,510, plus strand): 5'-AGCACAAGAACCACTGTTCCCACTTCAGCATCTTCTCTCACAGAGGACTGGTAATAAAGT[G>C]TGGGAAAAGAAGGACTGTGGTCATTGGCATCCAAAACTCTAACTTGCAGGTGTATTACAG-3'
Protein context (NP_001345164.1, residues 1925-1945): DANDHSPSFP[Thr1935Arg]LYYQSSVRED

ClinVar aggregate classification (germline): Benign (0 of 4 stars; one submission).

Conditions:
DCHS2-related disorder. Also called: DCHS2-related condition.

Allele frequency attached by ClinVar (database versions not stated): gnomAD exomes 0.16850; gnomAD 0.16950; TOPMed 0.17104; 1000 Genomes Project 0.17192; 1000 Genomes Project 30x 0.17208; ExAC 0.17230; ESP Exome Variant Server 0.17861.
gnomAD v4.1: 272,685 of 1,613,968 alleles (17%); highest among the groups gnomAD compares: Middle Eastern, 23%; 23,836 homozygotes.

Submissions (5):

PreventionGenetics, part of Exact Sciences
Classification: Benign for DCHS2-related condition. Last evaluated: 2019-11-08. Review status: no assertion criteria provided. Collection method: clinical testing. Allele origin: germline.
Comment: This variant is classified as benign based on ACMG/AMP sequence variant interpretation guidelines (Richards et al. 2015 PMID: 25741868, with internal and published modifications).

Dr. Peter K. Rogan Lab, Western University
No classification provided (evidence only). Condition: Uterine carcinosarcoma. Review status: no classification provided. Collection method: in vitro. Allele origin: not applicable. Functional consequence: retained intron. Not counted in ClinVar's aggregate classification.

Dr. Peter K. Rogan Lab, Western University
No classification provided (evidence only). Condition: Uterine carcinosarcoma. Review status: no classification provided. Collection method: in vitro. Allele origin: not applicable. Functional consequence: retained intron. Not counted in ClinVar's aggregate classification.

Dr. Peter K. Rogan Lab, Western University
No classification provided (evidence only). Condition: Uterine carcinosarcoma. Review status: no classification provided. Collection method: in vitro. Allele origin: not applicable. Functional consequence: retained intron. Not counted in ClinVar's aggregate classification.

Dr. Peter K. Rogan Lab, Western University
No classification provided (evidence only). Condition: Uterine carcinosarcoma. Review status: no classification provided. Collection method: in vitro. Allele origin: not applicable. Functional consequence: retained intron. Not counted in ClinVar's aggregate classification.